The following is an entry in ClinVar:

NM_006790.3(MYOT):c.653C>A (p.Ala218Glu)

Genes: PKD2L2-DT (PKD2L2 divergent transcript; minus strand), MYOT (myotilin; plus strand). Cytogenetic location: 5q31.2.
Variant type: single nucleotide variant.
Coding change: c.653C>A on transcript NM_006790.3 (MANE Select); coding-DNA position 653, C replaced by A.
Protein change: p.Ala218Glu; replaces alanine 218 with glutamic acid.
Molecular consequence: missense variant.
Genome position (GRCh38, 1-based): chr5:137,880,835, C>A. VCF-style: chr5-137880835-C-A. GRCh37 (hg19) VCF-style: chr5-137216524-C-A.
Other names: c.101C>A, p.Ala34Glu (NM_001135940.2); c.308C>A, p.Ala103Glu (NM_001300911.2); short protein forms A218E, A34E, A103E.
Identifiers: ClinVar variation 567277 (VCV000567277.10), dbSNP rs533510304, ClinGen allele CA3422995.

ClinVar aggregate classification (germline): Uncertain significance (1 of 4 stars; one submission).

Conditions:
Myofibrillar myopathy 3 (MFM3). Also called: Muscular dystrophy, proximal, type 1A; Autosomal dominant spheroid body myopathy. Identifiers: Orphanet 266, Orphanet 268129, MedGen C3714934, MONDO:0012215, OMIM 609200.

Submission:

Labcorp Genetics (formerly Invitae), Labcorp
Classification: Uncertain significance for Myofibrillar myopathy 3. Last evaluated: 2023-11-27. Review status: criteria provided, single submitter. Criteria: Invitae Variant Classification Sherloc (09022015). Collection method: clinical testing. Allele origin: germline.
Comment: This sequence change replaces alanine, which is neutral and non-polar, with glutamic acid, which is acidic and polar, at codon 218 of the MYOT protein (p.Ala218Glu). This variant is present in population databases (rs533510304, gnomAD 0.01%). This variant has not been reported in the literature in individuals affected with MYOT-related conditions. ClinVar contains an entry for this variant (Variation ID: 567277). Advanced modeling of protein sequence and biophysical properties (such as structural, functional, and spatial information, amino acid conservation, physicochemical variation, residue mobility, and thermodynamic stability) performed at Invitae indicates that this missense variant is not expected to disrupt MYOT protein function with a negative predictive value of 80%. In summary, the available evidence is currently insufficient to determine the role of this variant in disease. Therefore, it has been classified as a Variant of Uncertain Significance.